The following is an entry in ClinVar:

ClinVar aggregate classification (germline): Conflicting classifications of pathogenicity. Review status: criteria provided, conflicting classifications (1 of 4 stars). 6 submissions from 1 submitter: Uncertain significance (1); Benign (5). Last evaluated 2018-01-13.

Conditions:
Anophthalmia-microphthalmia syndrome. Also called: Anophthalmia/Microphthalmia; Anophthalmia - microphthalmia. Identifiers: Orphanet 98555, MedGen C5680330, MONDO:0020147.
carboxymethyl-dextran-A2-gadolinium-DOTA.
Autosomal dominant keratitis. Also called: Keratitis, hereditary. Identifiers: Orphanet 2334, MedGen C1835698, MONDO:0007848, OMIM 148190.
11p partial monosomy syndrome (WAGR). Also called: CHROMOSOME 11p13 DELETION SYNDROME; WAGR syndrome; WAGR Complex; WAGR Spectrum Disorder. Identifiers: Orphanet 893, MedGen C0206115, MONDO:0008681, OMIM 194072.
Foveal hypoplasia 1. Also called: FOVEAL HYPOPLASIA 1 WITH OR WITHOUT ANTERIOR SEGMENT ANOMALIES AND/OR CATARACT; FOVEAL HYPOPLASIA 1 WITH ANTERIOR SEGMENT ANOMALIES. Identifiers: Orphanet 2253, MedGen C3805604, MONDO:0007628, OMIM 136520.
Aniridia 1 (AN1). Identifiers: Orphanet 250923, MedGen C0344542, MONDO:0024507, OMIM 106210.

Allele frequency attached by ClinVar (database versions not stated): gnomAD exomes 0.00029; TOPMed 0.00029; gnomAD 0.00031 and 0.00032; 1000 Genomes Project 0.00060; 1000 Genomes Project 30x 0.00062.
gnomAD v4.1: 62 of 201,840 alleles (0.031%); highest among the groups gnomAD compares: Admixed American, 0.1%; 1 homozygote.

Submissions (6):

Illumina Laboratory Services, Illumina
Classification: Uncertain significance for Anophthalmia-microphthalmia syndrome. Last evaluated: 2018-01-13. Review status: criteria provided, single submitter. Criteria: ICSL Variant Classification Criteria 13 December 2019. Collection method: clinical testing. Allele origin: germline.

Illumina Laboratory Services, Illumina
Classification: Benign for Foveal hypoplasia 1. Last evaluated: 2018-01-13. Review status: criteria provided, single submitter. Criteria: ICSL Variant Classification Criteria 13 December 2019. Collection method: clinical testing. Allele origin: germline.
Comment: This variant was observed in the ICSL laboratory as part of a predisposition screen in an ostensibly healthy population. It had not been previously curated by ICSL or reported in the Human Gene Mutation Database (HGMD: prior to June 1st, 2018), and was therefore a candidate for classification through an automated scoring system. Utilizing variant allele frequency, disease prevalence and penetrance estimates, and inheritance mode, an automated score was calculated to assess if this variant is too frequent to cause the disease. Based on the score and internal cut-off values, a variant classified as benign is not then subjected to further curation. The score for this variant resulted in a classification of benign for this disease.

Illumina Laboratory Services, Illumina
Classification: Benign for Aniridia 1. Last evaluated: 2018-01-13. Review status: criteria provided, single submitter. Criteria: ICSL Variant Classification Criteria 13 December 2019. Collection method: clinical testing. Allele origin: germline.
Comment: the same text as in the submission from Illumina Laboratory Services, Illumina above.

Illumina Laboratory Services, Illumina
Classification: Benign for carboxymethyl-dextran-A2-gadolinium-DOTA. Last evaluated: 2018-01-13. Review status: criteria provided, single submitter. Criteria: ICSL Variant Classification Criteria 13 December 2019. Collection method: clinical testing. Allele origin: germline.
Comment: the same text as in the submission from Illumina Laboratory Services, Illumina above.

Illumina Laboratory Services, Illumina
Classification: Benign for Wilms tumor, aniridia, genitourinary anomalies, and mental retardation syndrome. Last evaluated: 2018-01-13. Review status: criteria provided, single submitter. Criteria: ICSL Variant Classification Criteria 13 December 2019. Collection method: clinical testing. Allele origin: germline.
Comment: the same text as in the submission from Illumina Laboratory Services, Illumina above.

Illumina Laboratory Services, Illumina
Classification: Benign for Autosomal dominant keratitis. Last evaluated: 2018-01-13. Review status: criteria provided, single submitter. Criteria: ICSL Variant Classification Criteria 13 December 2019. Collection method: clinical testing. Allele origin: germline.
Comment: the same text as in the submission from Illumina Laboratory Services, Illumina above.

NM_001368894.2(PAX6):c.*841C>T

Genes: PAX6 (paired box 6; minus strand), ELP4 (elongator acetyltransferase complex subunit 4; plus strand). Cytogenetic location: 11p13.
Variant type: single nucleotide variant.
Coding change: c.*841C>T on transcript NM_001368894.2 (MANE Select); 841 bases downstream of the stop codon, C replaced by T.
Molecular consequence: 3 prime UTR variant. On other transcripts: non-coding transcript variant (2).
Genome position (GRCh38, 1-based): chr11:31,789,093, G>A on the plus strand (C>T on the coding strand, the complement: PAX6 is on the minus strand). VCF-style: chr11-31789093-G-A. GRCh37 (hg19) VCF-style: chr11-31810641-G-A.
Other names: c.*5555G>A (NM_001288725.2); c.*5664G>A (NM_001288726.2); c.*5569G>A (NM_019040.5); c.*841C>T (NM_000280.6, NM_001127612.3, NM_001258462.3 and 37 more transcripts); c.*537C>T (NM_001368911.2, NM_001368912.2, NM_001368913.2 and 6 more transcripts).
Identifiers: ClinVar variation 304346 (VCV000304346.7), dbSNP rs530931929, ClinGen allele CA10638915.